The following is an entry in ClinVar:

NM_194255.4(SLC19A1):c.738_739delinsGCT (p.Cys246fs)

Gene: SLC19A1 (solute carrier family 19 member 1; minus strand). Cytogenetic location: 21q22.3.
Variant type: Indel.
Coding change: c.738_739delinsGCT on transcript NM_194255.4 (MANE Select); coding-DNA positions 738 to 739, TG replaced by GCT.
Protein change: p.Cys246fs; shifts the reading frame from cysteine 246.
Molecular consequence: frameshift variant.
Genome position (GRCh38, 1-based): chr21:45,531,599-45,531,600, CA replaced by AGC on the plus strand (TG replaced by GCT on the coding strand, the reverse complement: SLC19A1 is on the minus strand). VCF-style: chr21-45531599-CA-AGC. GRCh37 (hg19) VCF-style: chr21-46951513-CA-AGC.
Other names: c.738_739delinsGCT, p.Cys246fs (NM_001205206.4, NM_001352511.3, NM_001352512.2); c.618_619delinsGCT, p.Cys206fs (NM_001205207.3); c.384_385delinsGCT, p.Cys128fs (NM_001352510.2); short protein forms C128fs, C206fs, C246fs.
Identifiers: ClinVar variation 1922663 (VCV001922663.5), dbSNP rs2517322903, ClinGen allele CA2580098860.

ClinVar aggregate classification (germline): Uncertain significance (1 of 4 stars; one submission).

Submission:

Labcorp Genetics (formerly Invitae), Labcorp
Classification: Uncertain significance. Last evaluated: 2024-05-07. Review status: criteria provided, single submitter. Criteria: Invitae Variant Classification Sherloc (09022015). Collection method: clinical testing. Allele origin: germline.
Comment: This sequence change creates a premature translational stop signal (p.Cys246Trpfs*148) in the SLC19A1 gene. It is expected to result in an absent or disrupted protein product. However, the current clinical and genetic evidence is not sufficient to establish whether loss-of-function variants in SLC19A1 cause disease. This variant is present in population databases (no rsID available, gnomAD 0.007%). This variant has not been reported in the literature in individuals affected with SLC19A1-related conditions. In summary, the available evidence is currently insufficient to determine the role of this variant in disease. Therefore, it has been classified as a Variant of Uncertain Significance.